The following is an entry in ClinVar:

NM_014795.4(ZEB2):c.874A>G (p.Lys292Glu)

Gene: ZEB2 (zinc finger E-box binding homeobox 2; minus strand). Cytogenetic location: 2q22.3.
Variant type: single nucleotide variant.
Coding change: c.874A>G on transcript NM_014795.4 (MANE Select); coding-DNA position 874, A replaced by G.
Protein change: p.Lys292Glu; replaces lysine 292 with glutamic acid.
Molecular consequence: missense variant.
Genome position (GRCh38, 1-based): chr2:144,401,241, T>C on the plus strand (A>G on the coding strand, the complement: ZEB2 is on the minus strand). VCF-style: chr2-144401241-T-C. GRCh37 (hg19) VCF-style: chr2-145158808-T-C.
Other names: c.802A>G, p.Lys268Glu (NM_001171653.2); short protein forms K268E, K292E.
Identifiers: ClinVar variation 2703054 (VCV002703054.3), dbSNP rs2149877963, ClinGen allele CA348713545.

ClinVar aggregate classification (germline): Uncertain significance (1 of 4 stars; one submission).

Conditions:
Mowat-Wilson syndrome (MOWS). Also called: Classic Mowat-Wilson Syndrome. Identifiers: Orphanet 2152, MedGen C1856113, MONDO:0009341, OMIM 235730.

Submission:

Labcorp Genetics (formerly Invitae), Labcorp
Classification: Uncertain significance for Mowat-Wilson syndrome. Last evaluated: 2023-12-14. Review status: criteria provided, single submitter. Criteria: Invitae Variant Classification Sherloc (09022015). Collection method: clinical testing. Allele origin: germline.
Comment: This sequence change replaces lysine, which is basic and polar, with glutamic acid, which is acidic and polar, at codon 292 of the ZEB2 protein (p.Lys292Glu). This variant is not present in population databases (gnomAD no frequency). This variant has not been reported in the literature in individuals affected with ZEB2-related conditions. Advanced modeling of protein sequence and biophysical properties (such as structural, functional, and spatial information, amino acid conservation, physicochemical variation, residue mobility, and thermodynamic stability) performed at Invitae indicates that this missense variant is expected to disrupt ZEB2 protein function with a positive predictive value of 80%. In summary, the available evidence is currently insufficient to determine the role of this variant in disease. Therefore, it has been classified as a Variant of Uncertain Significance.